The following is an entry in ClinVar:

ClinVar aggregate classification (germline): Likely benign (0 of 4 stars; one submission).

Conditions:
ARHGEF28-related disorder. Also called: ARHGEF28-related condition.

Allele frequency attached by ClinVar (database versions not stated): gnomAD exomes 0.00004; ExAC 0.00010; TOPMed 0.00017; gnomAD 0.00022; 1000 Genomes Project 30x 0.00047; 1000 Genomes Project 0.00060.
gnomAD v4.1: 88 of 1,613,940 alleles (0.0055%); highest among the groups gnomAD compares: African/African-American, 0.093%; no homozygotes.

Submission:

PreventionGenetics, part of Exact Sciences
Classification: Likely benign for ARHGEF28-related condition. Last evaluated: 2023-04-18. Review status: no assertion criteria provided. Collection method: clinical testing. Allele origin: germline.
Comment: This variant is classified as likely benign based on ACMG/AMP sequence variant interpretation guidelines (Richards et al. 2015 PMID: 25741868, with internal and published modifications).

NM_001177693.2(ARHGEF28):c.744G>A (p.Thr248=)

Gene: ARHGEF28 (Rho guanine nucleotide exchange factor 28; plus strand). Cytogenetic location: 5q13.2.
Variant type: single nucleotide variant.
Coding change: c.744G>A on transcript NM_001177693.2 (MANE Select); coding-DNA position 744, G replaced by A.
Protein change: p.Thr248=; no amino-acid change (threonine 248 retained).
Molecular consequence: synonymous variant.
Genome position (GRCh38, 1-based): chr5:73,776,600, G>A. VCF-style: chr5-73776600-G-A. GRCh37 (hg19) VCF-style: chr5-73072425-G-A.
Other names: c.744G>A, p.Thr248= (NM_001080479.3, NM_001388078.1); c.450G>A, p.Thr150= (NM_001388076.1).
Identifiers: ClinVar variation 3052229 (VCV003052229.2), dbSNP rs543088628, ClinGen allele CA3304286.